The following is an entry in ClinVar:

ClinVar aggregate classification (germline): Uncertain significance (1 of 4 stars; one submission).

Allele frequency attached by ClinVar (database versions not stated): gnomAD exomes 0.00003; ExAC 0.00008; ESP Exome Variant Server 0.00008; gnomAD 0.00021; TOPMed 0.00021; 1000 Genomes Project 30x 0.00062; 1000 Genomes Project 0.00080.
gnomAD v4.1: 68 of 1,610,824 alleles (0.0042%); highest among the groups gnomAD compares: African/African-American, 0.075%; no homozygotes.

Submission:

Labcorp Genetics (formerly Invitae), Labcorp
Classification: Uncertain significance. Last evaluated: 2024-10-21. Review status: criteria provided, single submitter. Criteria: Invitae Variant Classification Sherloc (09022015). Collection method: clinical testing. Allele origin: germline.
Comment: This sequence change replaces histidine, which is basic and polar, with arginine, which is basic and polar, at codon 348 of the EPS8 protein (p.His348Arg). This variant is present in population databases (rs200905012, gnomAD 0.07%). This variant has not been reported in the literature in individuals affected with EPS8-related conditions. Invitae Evidence Modeling of protein sequence and biophysical properties (such as structural, functional, and spatial information, amino acid conservation, physicochemical variation, residue mobility, and thermodynamic stability) indicates that this missense variant is expected to disrupt EPS8 protein function with a positive predictive value of 80%. In summary, the available evidence is currently insufficient to determine the role of this variant in disease. Therefore, it has been classified as a Variant of Uncertain Significance.

NM_004447.6(EPS8):c.1043A>G (p.His348Arg)

Gene: EPS8 (EGFR pathway substrate 8, signaling adaptor; minus strand). Cytogenetic location: 12p12.3.
Variant type: single nucleotide variant.
Coding change: c.1043A>G on transcript NM_004447.6 (MANE Select); coding-DNA position 1043, A replaced by G.
Protein change: p.His348Arg; replaces histidine 348 with arginine.
Molecular consequence: missense variant. On other transcripts: non-coding transcript variant (3).
Genome position (GRCh38, 1-based): chr12:15,658,137, T>C on the plus strand (A>G on the coding strand, the complement: EPS8 is on the minus strand). VCF-style: chr12-15658137-T-C. GRCh37 (hg19) VCF-style: chr12-15811071-T-C.
Other names: c.1043A>G, p.His348Arg (NM_001413831.1, NM_001413832.1, NM_001413833.1 and 2 more transcripts); c.803A>G, p.His268Arg (NM_001413835.1, NM_001413836.1); c.626A>G, p.His209Arg (NM_001413837.1); c.263A>G, p.His88Arg (NM_001413838.1); short protein forms H88R, H209R, H268R, H348R.
Identifiers: ClinVar variation 2915630 (VCV002915630.3), dbSNP rs200905012, ClinGen allele CA6467679.